The following is an entry in ClinVar:

ClinVar aggregate classification (germline): Uncertain significance (1 of 4 stars; one submission).

gnomAD v4.1: 1 of 1,586,916 alleles (0.000063%); highest among the groups gnomAD compares: Admixed American, 0.0018%; no homozygotes.

Submission:

Labcorp Genetics (formerly Invitae), Labcorp
Classification: Uncertain significance. Last evaluated: 2024-07-11. Review status: criteria provided, single submitter. Criteria: Invitae Variant Classification Sherloc (09022015). Collection method: clinical testing. Allele origin: germline.
Comment: This sequence change replaces proline, which is neutral and non-polar, with leucine, which is neutral and non-polar, at codon 183 of the SETD5 protein (p.Pro183Leu). The frequency data for this variant in the population databases is considered unreliable, as metrics indicate poor data quality at this position in the gnomAD database. This variant has not been reported in the literature in individuals affected with SETD5-related conditions. Advanced modeling of protein sequence and biophysical properties (such as structural, functional, and spatial information, amino acid conservation, physicochemical variation, residue mobility, and thermodynamic stability) performed at Invitae indicates that this missense variant is expected to disrupt SETD5 protein function with a positive predictive value of 80%. In summary, the available evidence is currently insufficient to determine the role of this variant in disease. Therefore, it has been classified as a Variant of Uncertain Significance.

NM_001080517.3(SETD5):c.548C>T (p.Pro183Leu)

Gene: SETD5 (SET domain containing 5; plus strand). Cytogenetic location: 3p25.3.
Variant type: single nucleotide variant.
Coding change: c.548C>T on transcript NM_001080517.3 (MANE Select); coding-DNA position 548, C replaced by T.
Protein change: p.Pro183Leu; replaces proline 183 with leucine.
Molecular consequence: missense variant.
Genome position (GRCh38, 1-based): chr3:9,435,887, C>T. VCF-style: chr3-9435887-C-T. GRCh37 (hg19) VCF-style: chr3-9477571-C-T.
Other names: c.215C>T, p.Pro72Leu (NM_001292043.2, NM_001349451.2); short protein forms P72L, P183L.
Identifiers: ClinVar variation 3661782 (VCV003661782.2).